The following is an entry in ClinVar:

NM_004304.5(ALK):c.201C>A (p.Tyr67Ter)

Gene: ALK (ALK receptor tyrosine kinase; minus strand). Cytogenetic location: 2p23.1.
Variant type: single nucleotide variant.
Coding change: c.201C>A on transcript NM_004304.5 (MANE Select); coding-DNA position 201, C replaced by A.
Protein change: p.Tyr67Ter; replaces tyrosine 67 with a stop codon.
Molecular consequence: nonsense.
Genome position (GRCh38, 1-based): chr2:29,920,459, G>T on the plus strand (C>A on the coding strand, the complement: ALK is on the minus strand). VCF-style: chr2-29920459-G-T. GRCh37 (hg19) VCF-style: chr2-30143325-G-T.
Other names: short protein forms Y67*.
Identifiers: ClinVar variation 3605120 (VCV003605120.2).

ClinVar aggregate classification (germline): Uncertain significance (1 of 4 stars; one submission).

Conditions:
Neuroblastoma, susceptibility to, 3. Also called: ALK-Related Neuroblastic Tumor Susceptibility. Identifiers: Orphanet 635, MedGen C2751681, MONDO:0013083, OMIM 613014.

gnomAD v4.1: 1 of 1,612,106 alleles (0.000062%); highest among the groups gnomAD compares: Non-Finnish European, 0.000085%; no homozygotes.

Submission:

Labcorp Genetics (formerly Invitae), Labcorp
Classification: Uncertain significance for Neuroblastoma, susceptibility to, 3. Last evaluated: 2024-06-15. Review status: criteria provided, single submitter. Criteria: Invitae Variant Classification Sherloc (09022015). Collection method: clinical testing. Allele origin: germline.
Comment: This sequence change creates a premature translational stop signal (p.Tyr67*) in the ALK gene. It is expected to result in an absent or disrupted protein product. However, the current clinical and genetic evidence is not sufficient to establish whether loss-of-function variants in ALK cause disease. This variant is not present in population databases (gnomAD no frequency). This variant has not been reported in the literature in individuals affected with ALK-related conditions. In summary, the available evidence is currently insufficient to determine the role of this variant in disease. Therefore, it has been classified as a Variant of Uncertain Significance.